The following is an entry in ClinVar:

NM_020964.3(EPG5):c.2271T>G (p.Phe757Leu)

Gene: EPG5 (ectopic P-granules 5 autophagy tethering factor; minus strand). Cytogenetic location: 18q21.1.
Variant type: single nucleotide variant.
Coding change: c.2271T>G on transcript NM_020964.3 (MANE Select); coding-DNA position 2271, T replaced by G.
Protein change: p.Phe757Leu; replaces phenylalanine 757 with leucine.
Molecular consequence: missense variant.
Genome position (GRCh38, 1-based): chr18:45,930,817, A>C on the plus strand (T>G on the coding strand, the complement: EPG5 is on the minus strand). VCF-style: chr18-45930817-A-C. GRCh37 (hg19) VCF-style: chr18-43510783-A-C.
Other names: c.2271T>G, p.Phe757Leu (NM_001410858.1, NM_001410859.1); short protein forms F757L.
Identifiers: ClinVar variation 3731116 (VCV003731116.1).

ClinVar aggregate classification (germline): Uncertain significance (1 of 4 stars; one submission).

Submission:

GeneDx
Classification: Uncertain significance. Last evaluated: 2024-08-17. Review status: criteria provided, single submitter. Criteria: GeneDx Variant Classification Process June 2021. Collection method: clinical testing. Allele origin: germline. Affected: yes.
Comment: Not observed at significant frequency in large population cohorts (gnomAD); In silico analysis indicates that this missense variant does not alter protein structure/function; Has not been previously published as pathogenic or benign to our knowledge